The following is an entry in ClinVar:

NM_001144967.3(NEDD4L):c.1619C>T (p.Thr540Ile)

Gene: NEDD4L (NEDD4 like E3 ubiquitin protein ligase; plus strand). Cytogenetic location: 18q21.31.
Variant type: single nucleotide variant.
Coding change: c.1619C>T on transcript NM_001144967.3 (MANE Select); coding-DNA position 1619, C replaced by T.
Protein change: p.Thr540Ile; replaces threonine 540 with isoleucine.
Molecular consequence: missense variant.
Genome position (GRCh38, 1-based): chr18:58,349,580, C>T. VCF-style: chr18-58349580-C-T. GRCh37 (hg19) VCF-style: chr18-56016812-C-T.
Other names: c.1559C>T, p.Thr520Ile (NM_015277.6); c.1196C>T, p.Thr399Ile (NM_001144970.3, NM_001144971.2); c.1427C>T, p.Thr476Ile (NM_001243960.2); c.1256C>T, p.Thr419Ile (NM_001144964.1, NM_001144965.2, NM_001144966.3); c.1595C>T, p.Thr532Ile (NM_001144968.2); c.1535C>T, p.Thr512Ile (NM_001144969.2); short protein forms T399I, T520I, T419I, T512I, T532I, T540I, T476I.
Identifiers: ClinVar variation 3683229 (VCV003683229.2).

ClinVar aggregate classification (germline): Uncertain significance (1 of 4 stars; one submission).

Submission:

Labcorp Genetics (formerly Invitae), Labcorp
Classification: Uncertain significance. Last evaluated: 2024-07-19. Review status: criteria provided, single submitter. Criteria: Invitae Variant Classification Sherloc (09022015). Collection method: clinical testing. Allele origin: germline.
Comment: This sequence change replaces threonine, which is neutral and polar, with isoleucine, which is neutral and non-polar, at codon 520 of the NEDD4L protein (p.Thr520Ile). This variant is not present in population databases (gnomAD no frequency). This variant has not been reported in the literature in individuals affected with NEDD4L-related conditions. Advanced modeling of protein sequence and biophysical properties (such as structural, functional, and spatial information, amino acid conservation, physicochemical variation, residue mobility, and thermodynamic stability) performed at Invitae indicates that this missense variant is not expected to disrupt NEDD4L protein function with a negative predictive value of 80%. In summary, the available evidence is currently insufficient to determine the role of this variant in disease. Therefore, it has been classified as a Variant of Uncertain Significance.